The following is an entry in ClinVar:

ClinVar aggregate classification (germline): Uncertain significance (1 of 4 stars; one submission).

Conditions:
Inborn genetic diseases. Identifiers: MedGen C0950123, MeSH D030342.

gnomAD v4.1: 15 of 1,613,156 alleles (0.00093%); highest among the groups gnomAD compares: Non-Finnish European, 0.001%; no homozygotes.

Submission:

Ambry Genetics
Classification: Uncertain significance for Inborn genetic diseases. Last evaluated: 2025-01-09. Review status: criteria provided, single submitter. Criteria: Ambry Variant Classification Scheme 2023. Collection method: clinical testing. Allele origin: germline.
Comment: The p.E158G variant (also known as c.473A>G), located in coding exon 4 of the CEP57 gene, results from an A to G substitution at nucleotide position 473. The glutamic acid at codon 158 is replaced by glycine, an amino acid with similar properties. This amino acid position is conserved. In addition, the in silico prediction for this alteration is inconclusive. Based on the available evidence, the clinical significance of this variant remains unclear.

NM_014679.5(CEP57):c.473A>G (p.Glu158Gly)

Gene: CEP57 (centrosomal protein 57; plus strand). Cytogenetic location: 11q21.
Variant type: single nucleotide variant.
Coding change: c.473A>G on transcript NM_014679.5 (MANE Select); coding-DNA position 473, A replaced by G.
Protein change: p.Glu158Gly; replaces glutamic acid 158 with glycine.
Molecular consequence: missense variant.
Genome position (GRCh38, 1-based): chr11:95,813,558, A>G. VCF-style: chr11-95813558-A-G. GRCh37 (hg19) VCF-style: chr11-95546722-A-G.
Other names: c.446A>G, p.Glu149Gly (NM_001243776.2); c.473A>G, p.Glu158Gly (NM_001243777.2); c.392A>G, p.Glu131Gly (NM_001363604.2); short protein forms E149G, E131G, E158G.
Identifiers: ClinVar variation 3831960 (VCV003831960.1).